The following is an entry in ClinVar:

ClinVar aggregate classification (germline): Uncertain significance. Review status: criteria provided, multiple submitters, no conflicts (2 of 4 stars). 6 submissions from 6 submitters: Uncertain significance (6). Last evaluated 2025-10-01.

Conditions:
Marfan syndrome (MFS). Also called: Marfan syndrome type 1; Marfan's syndrome; FBN1-Related Marfan Syndrome; MARFAN SYNDROME, TYPE I; Marfan syndrome, classic. Identifiers: Orphanet 284963, Orphanet 558, MedGen C0024796, MONDO:0007947, OMIM 154700.
Familial thoracic aortic aneurysm and aortic dissection (TAAD). Also called: Thoracic aortic aneurysms and dissections. Identifiers: Orphanet 91387, MedGen C4707243, MONDO:0019625.
Ectopia lentis 1, isolated, autosomal dominant (ECTOL1). Identifiers: Orphanet 1885, MedGen C3541518, MONDO:0007514, OMIM 129600.
Stiff skin syndrome (SSKS). Identifiers: Orphanet 2833, MedGen C1861456, MONDO:0008492, OMIM 184900.
MASS syndrome (OCTD). Also called: MASS PHENOTYPE; OVERLAP CONNECTIVE TISSUE DISEASE. Identifiers: MedGen C1858556, MONDO:0011431, OMIM 604308.
Acromicric dysplasia (ACMICD). Also called: Acromicric skeletal dysplasia. Identifiers: Orphanet 969, MedGen C0265287, MONDO:0007055, OMIM 102370.
Weill-Marchesani syndrome 2, dominant. Also called: Weill-Marchesani Syndrome, Autosomal Dominant; FBN1-Related Weill-Marchesani Syndrome. Identifiers: Orphanet 2084, MedGen C1869115, MONDO:0012013, OMIM 608328.
Geleophysic dysplasia 2 (GPHYSD2). Identifiers: Orphanet 2623, MedGen C3280054, MONDO:0013612, OMIM 614185.
Progeroid and marfanoid aspect-lipodystrophy syndrome. Also called: MARFANOID-PROGEROID SYNDROME; MARFAN-PROGEROID-LIPODYSTROPHY SYNDROME; Marfan lipodystrophy syndrome; MARFANOID-PROGEROID-LIPODYSTROPHY SYNDROME. Identifiers: Orphanet 300382, MedGen C4310796, MONDO:0014831, OMIM 616914.

Allele frequency attached by ClinVar (database versions not stated): gnomAD exomes below 0.00001.
gnomAD v4.1: 8 of 1,614,240 alleles (0.0005%); highest among the groups gnomAD compares: East Asian, 0.0022%; no homozygotes.

Submissions (6):

CeGaT Center for Human Genetics Tuebingen
Classification: Uncertain significance. Last evaluated: 2025-10-01. Review status: criteria provided, single submitter. Criteria: CeGaT Center For Human Genetics Tuebingen Variant Classification Criteria Version 2. Collection method: clinical testing. Allele origin: germline. Affected: yes. Observed: 1 variant allele.

Labcorp Genetics (formerly Invitae), Labcorp
Classification: Uncertain significance for Marfan syndrome; Familial thoracic aortic aneurysm and aortic dissection. Last evaluated: 2025-08-24. Review status: criteria provided, single submitter. Criteria: Invitae Variant Classification Sherloc (09022015). Collection method: clinical testing. Allele origin: germline.
Comment: This sequence change replaces leucine, which is neutral and non-polar, with valine, which is neutral and non-polar, at codon 2626 of the FBN1 protein (p.Leu2626Val). This variant is not present in population databases (gnomAD no frequency). This missense change has been observed in individual(s) with clinical features of FBN1-related conditions (PMID: 35753512). ClinVar contains an entry for this variant (Variation ID: 918775). Invitae Evidence Modeling of protein sequence and biophysical properties (such as structural, functional, and spatial information, amino acid conservation, physicochemical variation, residue mobility, and thermodynamic stability) indicates that this missense variant is not expected to disrupt FBN1 protein function with a negative predictive value of 95%. This variant disrupts the p.Leu2626 amino acid residue in FBN1. Other variant(s) that disrupt this residue have been determined to be pathogenic (internal data). This suggests that this residue is clinically significant, and that variants that disrupt this residue are likely to be disease-causing. In summary, the available evidence is currently insufficient to determine the role of this variant in disease. Therefore, it has been classified as a Variant of Uncertain Significance.

All of Us Research Program, National Institutes of Health
Classification: Uncertain significance for Marfan syndrome. Last evaluated: 2024-09-23. Review status: criteria provided, single submitter. Criteria: ACMG Guidelines, 2015. Collection method: clinical testing. Allele origin: germline. Inheritance: Autosomal dominant inheritance. Observed: 6 variant alleles, 6 heterozygotes.
Comment: This missense variant replaces leucine with valine at codon 2626 of the FBN1 protein. Computational prediction suggests that this variant may not impact protein structure and function (internally defined REVEL score threshold <= 0.5, PMID: 27666373). To our knowledge, functional studies have not been reported for this variant. This variant has not been reported in individuals affected with cardiovascular disorders in the literature. This variant has not been identified in the general population by the Genome Aggregation Database (gnomAD). The available evidence is insufficient to determine the role of this variant in disease conclusively. Therefore, this variant is classified as a Variant of Uncertain Significance.

This study involves interpretation of variants in research participants for the purpose of population health screening. Participant phenotype was not available at the time of variant classification. Additional details can be found in publication PMID: 35346344, PMCID: PMC8962531

Ambry Genetics
Classification: Uncertain significance for Familial thoracic aortic aneurysm and aortic dissection. Last evaluated: 2024-04-16. Review status: criteria provided, single submitter. Criteria: Ambry Variant Classification Scheme 2023. Collection method: clinical testing. Allele origin: germline.
Comment: The p.L2626V variant (also known as c.7876C>G), located in coding exon 63 of the FBN1 gene, results from a C to G substitution at nucleotide position 7876. The leucine at codon 2626 is replaced by valine, an amino acid with highly similar properties. This amino acid position is highly conserved in available vertebrate species. In addition, the in silico prediction for this alteration is inconclusive. Since supporting evidence is limited at this time, the clinical significance of this alteration remains unclear.

Color Diagnostics, LLC DBA Color Health
Classification: Uncertain significance for Familial thoracic aortic aneurysm and aortic dissection. Last evaluated: 2024-03-06. Review status: criteria provided, single submitter. Criteria: ACMG Guidelines, 2015. Collection method: clinical testing. Allele origin: germline.
Comment: This missense variant replaces leucine with valine at codon 2626 of the FBN1 protein. Computational prediction suggests that this variant may not impact protein structure and function (internally defined REVEL score threshold <= 0.5, PMID: 27666373). To our knowledge, functional studies have not been reported for this variant. This variant has not been reported in individuals affected with FBN1-related disorders in the literature. This variant has not been identified in the general population by the Genome Aggregation Database (gnomAD). The available evidence is insufficient to determine the role of this variant in disease conclusively. Therefore, this variant is classified as a Variant of Uncertain Significance.

Fulgent Genetics
Classification: Uncertain significance for Acromicric dysplasia; Ectopia lentis 1, isolated, autosomal dominant; Marfan syndrome; Stiff skin syndrome; MASS syndrome; Weill-Marchesani syndrome 2, dominant; Geleophysic dysplasia 2; Progeroid and marfanoid aspect-lipodystrophy syndrome. Last evaluated: 2022-01-28. Review status: criteria provided, single submitter. Criteria: ACMG Guidelines, 2015. Collection method: clinical testing. Allele origin: unknown.

Literature cited by the submitters: PubMed 35753512 (cited by Labcorp Genetics (formerly Invitae), Labcorp).

NM_000138.5(FBN1):c.7876C>G (p.Leu2626Val)

Gene: FBN1 (fibrillin 1; minus strand). Cytogenetic location: 15q21.1.
Variant type: single nucleotide variant.
Coding change: c.7876C>G on transcript NM_000138.5 (MANE Select); coding-DNA position 7876, C replaced by G.
Protein change: p.Leu2626Val; replaces leucine 2626 with valine.
Molecular consequence: missense variant.
Genome position (GRCh38, 1-based): chr15:48,415,711, G>C on the plus strand (C>G on the coding strand, the complement: FBN1 is on the minus strand). VCF-style: chr15-48415711-G-C. GRCh37 (hg19) VCF-style: chr15-48707908-G-C.
Other names: short protein forms L2626V.
Identifiers: ClinVar variation 918775 (VCV000918775.25), dbSNP rs2042898824, ClinGen allele CA392323346.